The following is an entry in ClinVar:

NM_021870.2(FGG):c.902G>A (p.Arg301His)

Gene: FGG (fibrinogen gamma chain; minus strand). Cytogenetic location: 4q32.1.
Variant type: single nucleotide variant.
Coding change: c.902G>A on transcript NM_021870.2; coding-DNA position 902, G replaced by A.
Protein change: p.Arg301His; replaces arginine 301 with histidine.
Molecular consequence: missense variant (on NM_021870.3).
Genome position (GRCh38, 1-based): chr4:154,606,932, C>T on the plus strand (G>A on the coding strand, the complement: FGG is on the minus strand). VCF-style: chr4-154606932-C-T. GRCh37 (hg19) VCF-style: chr4-155528084-C-T.
Other names: R275H; FIBRINOGEN ESSEN 1; FIBRINOGEN HAIFA 1; FIBRINOGEN PERUGIA 1; FIBRINOGEN SAGA 1; FIBRINOGEN OSAKA 3; c.902G>A (NM_000509.4); c.902G>A, p.Arg301His (NM_000509.6, NM_021870.3); short protein forms R301H.
Identifiers: ClinVar variation 16362 (VCV000016362.24), dbSNP rs121913088, ClinGen allele CA126391.

ClinVar aggregate classification (germline): Pathogenic/Likely pathogenic. Review status: criteria provided, multiple submitters, no conflicts (2 of 4 stars). 12 submissions from 12 submitters: Pathogenic (10); Likely pathogenic (1). 1 of the submissions does not count toward it. Last evaluated 2025-11-09.

Conditions:
Familial dysfibrinogenemia. Also called: Dysfibrinogenemia, congenital. Identifiers: Orphanet 335, Orphanet 98881, MedGen C0272350, MONDO:0014452, OMIM 616004.
Congenital afibrinogenemia. Identifiers: Orphanet 335, Orphanet 98880, MedGen C2584774, MONDO:0008737, OMIM 202400.
FIBRINOGEN HAIFA 1.
Hypofibrinogenemia. Identifiers: MedGen C0553681, HP:0011900.

Allele frequency attached by ClinVar (database versions not stated): ExAC 0.00002; gnomAD 0.00001; 1000 Genomes Project 30x 0.00016; gnomAD exomes 0.00001 and below 0.00001; TOPMed below 0.00001; 1000 Genomes Project 0.00020.
gnomAD v4.1: 8 of 1,613,272 alleles (0.0005%); highest among the groups gnomAD compares: Admixed American, 0.0017%; no homozygotes.

Submissions (12):

Labcorp Genetics (formerly Invitae), Labcorp
Classification: Pathogenic. Last evaluated: 2025-11-09. Review status: criteria provided, single submitter. Criteria: Invitae Variant Classification Sherloc (09022015). Collection method: clinical testing. Allele origin: germline.
Comment: This sequence change replaces arginine, which is basic and polar, with histidine, which is basic and polar, at codon 301 of the FGG protein (p.Arg301His). This variant is present in population databases (rs121913088, gnomAD 0.003%). This missense change has been observed in individual(s) with hypofibrinogenemia (PMID: 20508898, 20546853, 30349899, 30512152, 35063457). It has also been observed to segregate with disease in related individuals. This variant is also known as p.Arg275His. ClinVar contains an entry for this variant (Variation ID: 16362). Invitae Evidence Modeling of protein sequence and biophysical properties (such as structural, functional, and spatial information, amino acid conservation, physicochemical variation, residue mobility, and thermodynamic stability) indicates that this missense variant is expected to disrupt FGG protein function with a positive predictive value of 80%. For these reasons, this variant has been classified as Pathogenic.

CeGaT Center for Human Genetics Tuebingen
Classification: Pathogenic. Last evaluated: 2025-06-01. Review status: criteria provided, single submitter. Criteria: CeGaT Center For Human Genetics Tuebingen Variant Classification Criteria Version 2. Collection method: clinical testing. Allele origin: germline. Affected: yes. Observed: 1 variant allele.
Comment: FGG: PS4, PM1, PM5, PP1:Moderate, PP4, PS3:Supporting

Mayo Clinic Laboratories, Mayo Clinic
Classification: Pathogenic. Last evaluated: 2024-10-25. Review status: criteria provided, single submitter. Criteria: ACMG Guidelines, 2015. Collection method: clinical testing. Allele origin: germline. Observed: 5 variant alleles.
Comment: PP3, PP5, PM1, PM2_moderate, PM5, PS3, PS4_moderate

GeneDx
Classification: Pathogenic. Last evaluated: 2024-07-23. Review status: criteria provided, single submitter. Criteria: GeneDx Variant Classification Process June 2021. Collection method: clinical testing. Allele origin: germline. Affected: yes.
Comment: Published functional studies suggest a damaging effect (PMID: 20508898); Not observed at significant frequency in large population cohorts (gnomAD); Also known as p.R275H; This variant is associated with the following publications: (PMID: 23683413, 30512152, 36964972, 34455742, 35063457, 7654933, 19132250, 3563970, 1455400, 2958955, 17604827, 30349899, 20546853, 30856382, 34355501, 29351094, 32877852, 20508898, 31064749)

Women's Health and Genetics/Laboratory Corporation of America, LabCorp
Classification: Pathogenic for Familial dysfibrinogenemia. Last evaluated: 2024-05-21. Review status: criteria provided, single submitter. Criteria: LabCorp Variant Classification Summary - May 2015. Collection method: clinical testing. Allele origin: germline.
Comment: Variant summary: FGG c.902G>A (p.Arg301His) results in a non-conservative amino acid change located in the Fibrinogen, alpha/beta/gamma chain, C-terminal globular domain (IPR002181) of the encoded protein sequence. Five of five in-silico tools predict a damaging effect of the variant on protein function. The variant allele was found at a frequency of 8e-06 in 250136 control chromosomes. c.902G>A has been reported in the literature in multiple individuals affected with Dysfibrinogenemia (examples: Smith_2018 and Wang_2018). These data indicate that the variant is very likely to be associated with disease. A different variant affecting the same codon has been classified as pathogenic by our lab (c.901C>T, p.Arg301Cys), supporting the critical relevance of codon 301 to FGG protein function. The following publications have been ascertained in the context of this evaluation (PMID: 30349899, 29351094). ClinVar contains an entry for this variant (Variation ID: 16362). Based on the evidence outlined above, the variant was classified as pathogenic.

Baylor Genetics
Classification: Pathogenic for Familial dysfibrinogenemia. Last evaluated: 2023-07-14. Review status: criteria provided, single submitter. Criteria: ACMG Guidelines, 2015. Collection method: clinical testing. Allele origin: unknown.

Genetics and Molecular Pathology, SA Pathology
Classification: Pathogenic for Familial dysfibrinogenemia. Last evaluated: 2021-10-01. Review status: criteria provided, single submitter. Criteria: ACMG Guidelines, 2015. Collection method: clinical testing. Allele origin: germline. Affected: yes.

Genetics and Genomic Medicine Centre, NeuroGen Healthcare, NeuroGen Healthcare
Classification: Likely pathogenic for Congenital afibrinogenemia. Last evaluated: 2020-03-04. Review status: criteria provided, single submitter. Criteria: Submitter's publication. Collection method: clinical testing. Allele origin: unknown. Affected: no.

NIHR Bioresource Rare Diseases, University of Cambridge
Classification: Pathogenic for Hypofibrinogenemia. Last evaluated: 2019-02-01. Review status: criteria provided, single submitter. Criteria: ACMG Guidelines, 2015. Collection method: research. Allele origin: unknown. Affected: yes. Observed: 3 heterozygotes. Study: ThromboGenomics.

ISTH-SSC Genomics in Thrombosis and Hemostasis, KU Leuven, Center for Molecular and Vascular Biology
Classification: Pathogenic for Familial dysfibrinogenemia. Review status: criteria provided, single submitter. Criteria: ACMG Guidelines, 2015. Collection method: clinical testing. Allele origin: unknown. Affected: yes. Observed: 2 heterozygotes. Clinical features observed: hypodysfibrinogenemia.
Comment: GoldVariant submitters: Bilal Jradeh, Katharine Dormandy Haemophilia and Thrombosis Centre, Royal Free Hospital, London, UK and Kathleen Freson, Center for Molecular and Vascular Biology, Leuven, Belgium

Juno Genomics, Hangzhou Juno Genomics, Inc
Classification: Pathogenic for Congenital afibrinogenemia; Familial dysfibrinogenemia. Review status: criteria provided, single submitter. Criteria: ACMG Guidelines, 2015. Collection method: clinical testing. Allele origin: germline. Affected: yes.
Comment: The prevalence of the variant in affected individuals is significantly increased compared to the prevalence in controls.;Absent from controls (or at extremely low frequency if recessive) in Genome Aggregation Database, Exome Sequencing Project, 1000 Genomes Project, or Exome Aggregation Consortium.;Multiple lines of computational evidence support a deleterious effect on the gene or gene product (conservation, evolutionary, splicing impact, etc).;Patient's phenotype or family history is highly specific for a disease with a single genetic etiology.;Co-segregation with disease in multiple affected family members in a gene definitively known to cause the disease.;Well-established in vitro or in vivo functional studies supportive of a damaging effect on the gene or gene product.

OMIM
Classification: other for FIBRINOGEN HAIFA 1. Last evaluated: 2014-09-19. Review status: no assertion criteria provided. Collection method: literature only. Allele origin: germline. Not counted in ClinVar's aggregate classification.

Literature cited by the submitters: PubMed 20508898 (cited by Labcorp Genetics (formerly Invitae), Labcorp and Mayo Clinic Laboratories, Mayo Clinic); PubMed 20546853 (cited by Labcorp Genetics (formerly Invitae), Labcorp and Mayo Clinic Laboratories, Mayo Clinic); PubMed 30349899 (cited by 3 submitters); PubMed 30512152 (cited by Labcorp Genetics (formerly Invitae), Labcorp and Mayo Clinic Laboratories, Mayo Clinic); PubMed 35063457 (cited by Labcorp Genetics (formerly Invitae), Labcorp and Mayo Clinic Laboratories, Mayo Clinic); PubMed 18549327 (cited by Mayo Clinic Laboratories, Mayo Clinic); PubMed 2512677 (cited by Mayo Clinic Laboratories, Mayo Clinic and OMIM); PubMed 30856382 (cited by Mayo Clinic Laboratories, Mayo Clinic); PubMed 32877852 (cited by Mayo Clinic Laboratories, Mayo Clinic); PubMed 33260935 (cited by Mayo Clinic Laboratories, Mayo Clinic); PubMed 33443927 (cited by Mayo Clinic Laboratories, Mayo Clinic); PubMed 34455742 (cited by Mayo Clinic Laboratories, Mayo Clinic); PubMed 36964972 (cited by Mayo Clinic Laboratories, Mayo Clinic); PubMed 37200649 (cited by Mayo Clinic Laboratories, Mayo Clinic); PubMed 37647632 (cited by Mayo Clinic Laboratories, Mayo Clinic); PubMed 38953055 (cited by Mayo Clinic Laboratories, Mayo Clinic); PubMed 7654933 (cited by Mayo Clinic Laboratories, Mayo Clinic); PubMed 29351094 (cited by Women's Health and Genetics/Laboratory Corporation of America, LabCorp); PubMed 31064749 (cited by NIHR Bioresource Rare Diseases, University of Cambridge); PubMed 34355501 (cited by ISTH-SSC Genomics in Thrombosis and Hemostasis, KU Leuven, Center for Molecular and Vascular Biology); PubMed 3563970 (cited by OMIM); PubMed 6654188 (cited by OMIM); PubMed 2976995 (cited by OMIM); PubMed 1733971 (cited by OMIM).